The following is an entry in ClinVar:

ClinVar aggregate classification (germline): Uncertain significance (1 of 4 stars; one submission).

Submission:

Labcorp Genetics (formerly Invitae), Labcorp
Classification: Uncertain significance. Last evaluated: 2022-03-09. Review status: criteria provided, single submitter. Criteria: Invitae Variant Classification Sherloc (09022015). Collection method: clinical testing. Allele origin: germline.
Comment: This sequence change replaces proline, which is neutral and non-polar, with serine, which is neutral and polar, at codon 60 of the SNIP1 protein (p.Pro60Ser). This variant is not present in population databases (gnomAD no frequency). This variant has not been reported in the literature in individuals affected with SNIP1-related conditions. Algorithms developed to predict the effect of missense changes on protein structure and function output the following: SIFT: "Tolerated"; PolyPhen-2: "Benign"; Align-GVGD: "Class C0". The serine amino acid residue is found in multiple mammalian species, which suggests that this missense change does not adversely affect protein function. In summary, the available evidence is currently insufficient to determine the role of this variant in disease. Therefore, it has been classified as a Variant of Uncertain Significance.

NM_024700.4(SNIP1):c.178C>T (p.Pro60Ser)

Genes: SNIP1 (Smad nuclear interacting protein 1; minus strand), LOC129930156 (ATAC-STARR-seq lymphoblastoid silent region 673; plus strand). Cytogenetic location: 1p34.3.
Variant type: single nucleotide variant.
Coding change: c.178C>T on transcript NM_024700.4 (MANE Select); coding-DNA position 178, C replaced by T.
Protein change: p.Pro60Ser; replaces proline 60 with serine.
Molecular consequence: missense variant.
Genome position (GRCh38, 1-based): chr1:37,554,052, G>A on the plus strand (C>T on the coding strand, the complement: SNIP1 is on the minus strand). VCF-style: chr1-37554052-G-A. GRCh37 (hg19) VCF-style: chr1-38019653-G-A.
Other names: short protein forms P60S.
Identifiers: ClinVar variation 2107859 (VCV002107859.4), dbSNP rs2522388634, ClinGen allele CA339429811.